The following is an entry in ClinVar:

ClinVar aggregate classification (germline): Conflicting classifications of pathogenicity. Review status: criteria provided, conflicting classifications (1 of 4 stars). 2 submissions from 2 submitters: Likely pathogenic (1); Uncertain significance (1). Last evaluated 2026-09-08.

Conditions:
Cardiovascular phenotype. Identifiers: MedGen CN230736.
Hyperlipoproteinemia, type I. Also called: HYPERLIPOPROTEINEMIA, TYPE IA; LPL DEFICIENCY; Lipase D deficiency; Familial Lipoprotein Lipase Deficiency; Lipoprotein Lipase Deficiency; Hyperlipoproteinemia type 1. Identifiers: Orphanet 309015, Orphanet 444490, MedGen C0023817, MONDO:0009387, OMIM 238600. Disease mechanism: loss of function.

Allele frequency attached by ClinVar (database versions not stated): ExAC 0.00002; gnomAD exomes 0.00002.
gnomAD v4.1: 19 of 1,614,088 alleles (0.0012%); highest among the groups gnomAD compares: East Asian, 0.0045%; no homozygotes.

Submissions (2):

Ambry Genetics
Classification: Uncertain significance for Cardiovascular phenotype. Last evaluated: 2026-09-08. Review status: criteria provided, single submitter. Criteria: Ambry Variant Classification Scheme 2023. Collection method: clinical testing. Allele origin: germline.
Comment: The p.R116Q variant (also known as c.347G>A), located in coding exon 3 of the LPL gene, results from a G to A substitution at nucleotide position 347. The arginine at codon 116 is replaced by glutamine, an amino acid with highly similar properties. This variant has been identified in the homozygous state and/or in conjunction with other LPL variant(s) in individual(s) with features consistent with LPL-related chylomicronemia syndrome (Hegele RA et al. J Clin Lipidol, 2018 Apr;12:920-927.e4; Jin JL et al. EBioMedicine, 2018 Dec;38:171-177). This amino acid position is well conserved in available vertebrate species. In addition, the in silico prediction for this alteration is inconclusive. Based on the available evidence, the clinical significance of this variant remains unclear.

Genome-Nilou Lab
Classification: Likely pathogenic for Hyperlipoproteinemia, type I. Last evaluated: 2021-07-22. Review status: criteria provided, single submitter. Criteria: ACMG Guidelines, 2015. Collection method: clinical testing. Allele origin: germline. Affected: yes.

Literature cited by the submitters: PubMed 29748148 (cited by Ambry Genetics); PubMed 30420299 (cited by Ambry Genetics).

NM_000237.3(LPL):c.347G>A (p.Arg116Gln)

Gene: LPL (lipoprotein lipase; plus strand). Cytogenetic location: 8p21.3.
Variant type: single nucleotide variant.
Coding change: c.347G>A on transcript NM_000237.3 (MANE Select); coding-DNA position 347, G replaced by A.
Protein change: p.Arg116Gln; replaces arginine 116 with glutamine.
Molecular consequence: missense variant.
Genome position (GRCh38, 1-based): chr8:19,951,866, G>A. VCF-style: chr8-19951866-G-A. GRCh37 (hg19) VCF-style: chr8-19809377-G-A.
Other names: c.347G>A (NM_000237.2); short protein forms R116Q.
Identifiers: ClinVar variation 1210341 (VCV001210341.4), dbSNP rs775728208, ClinGen allele CA4655387.